The following is an entry in ClinVar:

ClinVar aggregate classification (germline): Uncertain significance. Review status: criteria provided, multiple submitters, no conflicts (2 of 4 stars). 2 submissions from 2 submitters: Uncertain significance (2). Last evaluated 2023-11-22.

Conditions:
Inborn genetic diseases. Identifiers: MedGen C0950123, MeSH D030342.
Hereditary sensory and autonomic neuropathy type 6. Also called: HSAN VI; Neuropathy, hereditary sensory and autonomic, type VI. Identifiers: Orphanet 314381, MedGen C3539003, MONDO:0013839, OMIM 614653.
Epidermolysis bullosa simplex 3, localized or generalized intermediate, with BP230 deficiency (EBS3). Also called: Epidermolysis bullosa simplex, autosomal recessive 2; Epidermolysis bullosa simplex due to BP230 deficiency. Identifiers: Orphanet 412181, MedGen C3809470, MONDO:0014180, OMIM 615425.

Allele frequency attached by ClinVar (database versions not stated): ExAC 0.00003; gnomAD exomes 0.00003 and 0.00009; gnomAD 0.00004; TOPMed 0.00004; ESP Exome Variant Server 0.00017.
gnomAD v4.1: 138 of 1,612,970 alleles (0.0086%); highest among the groups gnomAD compares: Non-Finnish European, 0.012%; no homozygotes.

Submissions (2):

Labcorp Genetics (formerly Invitae), Labcorp
Classification: Uncertain significance for Epidermolysis bullosa simplex 3, localized or generalized intermediate, with BP230 deficiency; Hereditary sensory and autonomic neuropathy type 6. Last evaluated: 2023-11-22. Review status: criteria provided, single submitter. Criteria: Invitae Variant Classification Sherloc (09022015). Collection method: clinical testing. Allele origin: germline.
Comment: The DST gene has multiple clinically relevant transcripts. This variant occurs in alternate transcript NM_015548.4, and corresponds to NM_001723.5:c.*15348A>G in the primary transcript. This sequence change replaces aspartic acid, which is acidic and polar, with glycine, which is neutral and non-polar, at codon 1242 of the DST protein (p.Asp1242Gly). This variant is present in population databases (rs200000404, gnomAD 0.006%). This variant has not been reported in the literature in individuals affected with DST-related conditions. Experimental studies and prediction algorithms are not available or were not evaluated, and the functional significance of this variant is currently unknown. In summary, the available evidence is currently insufficient to determine the role of this variant in disease. Therefore, it has been classified as a Variant of Uncertain Significance.

Ambry Genetics
Classification: Uncertain significance for Inborn genetic diseases. Last evaluated: 2021-12-15. Review status: criteria provided, single submitter. Criteria: Ambry Variant Classification Scheme 2023. Collection method: clinical testing. Allele origin: germline.
Comment: The p.D1746G variant (also known as c.5237A>G), located in coding exon 39 of the DST gene, results from an A to G substitution at nucleotide position 5237. The aspartic acid at codon 1746 is replaced by glycine, an amino acid with similar properties. This amino acid position is well conserved in available vertebrate species. In addition, the in silico prediction for this alteration is inconclusive. Since supporting evidence is limited at this time, the clinical significance of this alteration remains unclear.

NM_001374736.1(DST):c.11594A>G (p.Asp3865Gly)

Gene: DST (dystonin; minus strand). Cytogenetic location: 6p12.1.
Variant type: single nucleotide variant.
Coding change: c.11594A>G on transcript NM_001374736.1 (MANE Select); coding-DNA position 11594, A replaced by G.
Protein change: p.Asp3865Gly; replaces aspartic acid 3865 with glycine.
Molecular consequence: missense variant.
Genome position (GRCh38, 1-based): chr6:56,600,169, T>C on the plus strand (A>G on the coding strand, the complement: DST is on the minus strand). VCF-style: chr6-56600169-T-C. GRCh37 (hg19) VCF-style: chr6-56464967-T-C.
Other names: c.5237A>G, p.Asp1746Gly (NM_001144769.5); c.4823A>G, p.Asp1608Gly (NM_001144770.2); c.11594A>G, p.Asp3865Gly (NM_001374722.1); c.10961A>G, p.Asp3654Gly (NM_001374729.1); c.4703A>G, p.Asp1568Gly (NM_001374730.1, NM_001386100.1, NM_183380.4); c.11621A>G, p.Asp3874Gly (NM_001374734.1); c.3725A>G, p.Asp1242Gly (NM_015548.5); short protein forms D1568G, D3874G, D1242G, D1608G, D1746G, D3865G, D3654G.
Identifiers: ClinVar variation 1434476 (VCV001434476.7), dbSNP rs200000404, ClinGen allele CA3868625.